The following is an entry in ClinVar:

NM_014000.3(VCL):c.1863C>G (p.Asn621Lys)

Gene: VCL (vinculin; plus strand). Cytogenetic location: 10q22.2.
Variant type: single nucleotide variant.
Coding change: c.1863C>G on transcript NM_014000.3 (MANE Select); coding-DNA position 1863, C replaced by G.
Protein change: p.Asn621Lys; replaces asparagine 621 with lysine.
Molecular consequence: missense variant.
Genome position (GRCh38, 1-based): chr10:74,097,323, C>G. VCF-style: chr10-74097323-C-G. GRCh37 (hg19) VCF-style: chr10-75857081-C-G.
Other names: c.1863C>G, p.Asn621Lys (NM_003373.4); short protein forms N621K.
Identifiers: ClinVar variation 536714 (VCV000536714.11), dbSNP rs746293391, ClinGen allele CA5563096.
Genomic context (GRCh38, chr10:74,097,323, plus strand): 5'-TACCACAACTCCCATCAAGCTGTTGGCAGTGGCAGCCACGGCGCCTCCTGATGCGCCTAA[C>G]AGGGAAGAGGTGGGTATCTGAGGTCTTCCATTTTTCTGTCAGCCTGTGCTATAGGTATAT-3'
Protein context (NP_054706.1, residues 611-631): VAATAPPDAP[Asn621Lys]REEVFDERAA

ClinVar aggregate classification (germline): Uncertain significance. Review status: criteria provided, multiple submitters, no conflicts (2 of 4 stars). 3 submissions from 3 submitters: Uncertain significance (3). Last evaluated 2025-12-24.

Conditions:
Cardiovascular phenotype. Identifiers: MedGen CN230736.
Dilated cardiomyopathy 1W (CMD1W). Identifiers: Orphanet 154, MedGen C1969639, MONDO:0012667, OMIM 611407.

Allele frequency attached by ClinVar (database versions not stated): gnomAD exomes 0.00001; TOPMed 0.00001; ExAC 0.00001.
gnomAD v4.1: 25 of 1,613,456 alleles (0.0015%); highest among the groups gnomAD compares: Non-Finnish European, 0.0021%; no homozygotes.

Submissions (3):

Labcorp Genetics (formerly Invitae), Labcorp
Classification: Uncertain significance for Dilated cardiomyopathy 1W. Last evaluated: 2025-12-24. Review status: criteria provided, single submitter. Criteria: Invitae Variant Classification Sherloc (09022015). Collection method: clinical testing. Allele origin: germline.
Comment: This sequence change replaces asparagine, which is neutral and polar, with lysine, which is basic and polar, at codon 621 of the VCL protein (p.Asn621Lys). This variant is present in population databases (rs746293391, gnomAD 0.002%). This variant has not been reported in the literature in individuals affected with VCL-related conditions. ClinVar contains an entry for this variant (Variation ID: 536714). An algorithm developed to predict the effect of missense changes on protein structure and function (PolyPhen-2) suggests that this variant is likely to be disruptive. In summary, the available evidence is currently insufficient to determine the role of this variant in disease. Therefore, it has been classified as a Variant of Uncertain Significance.

Ambry Genetics
Classification: Uncertain significance for Cardiovascular phenotype. Last evaluated: 2020-03-27. Review status: criteria provided, single submitter. Criteria: Ambry Variant Classification Scheme 2023. Collection method: clinical testing. Allele origin: germline.
Comment: The p.N621K variant (also known as c.1863C>G), located in coding exon 13 of the VCL gene, results from a C to G substitution at nucleotide position 1863. The asparagine at codon 621 is replaced by lysine, an amino acid with similar properties. This amino acid position is well conserved in available vertebrate species. In addition, this alteration is predicted to be tolerated by in silico analysis. Since supporting evidence is limited at this time, the clinical significance of this alteration remains unclear.

Stanford Center for Inherited Cardiovascular Disease, Stanford University
Classification: Uncertain significance. Last evaluated: 2018-01-21. Review status: criteria provided, single submitter. Criteria: ACMG Guidelines, 2015. Collection method: provider interpretation. Allele origin: germline.